The following is an entry in ClinVar:

NM_057176.3(BSND):c.805C>T (p.Arg269Trp)

Gene: BSND (barttin CLCNK type accessory subunit beta; plus strand). Cytogenetic location: 1p32.3.
Variant type: single nucleotide variant.
Coding change: c.805C>T on transcript NM_057176.3 (MANE Select); coding-DNA position 805, C replaced by T.
Protein change: p.Arg269Trp; replaces arginine 269 with tryptophan.
Molecular consequence: missense variant.
Genome position (GRCh38, 1-based): chr1:55,008,470, C>T. VCF-style: chr1-55008470-C-T. GRCh37 (hg19) VCF-style: chr1-55474143-C-T.
Other names: c.805C>T (NM_057176.2); short protein forms R269W.
Identifiers: ClinVar variation 2201022 (VCV002201022.4), dbSNP rs368725660, ClinGen allele CA871424.

ClinVar aggregate classification (germline): Conflicting classifications of pathogenicity. Review status: criteria provided, conflicting classifications (1 of 4 stars). 3 submissions from 3 submitters: Uncertain significance (2); Likely benign (1). Last evaluated 2024-12-09.

Conditions:
Inborn genetic diseases. Identifiers: MedGen C0950123, MeSH D030342.

Allele frequency attached by ClinVar (database versions not stated): gnomAD exomes 0.00004; ExAC 0.00005; gnomAD 0.00005; TOPMed 0.00008; ESP Exome Variant Server 0.00015.

Submissions (3):

GeneDx
Classification: Uncertain significance. Last evaluated: 2024-12-09. Review status: criteria provided, single submitter. Criteria: GeneDx Variant Classification Process June 2021. Collection method: clinical testing. Allele origin: germline. Affected: yes.
Comment: In silico analysis indicates that this missense variant does not alter protein structure/function; Has not been previously published as pathogenic or benign to our knowledge

Ambry Genetics
Classification: Likely benign for Inborn genetic diseases. Last evaluated: 2024-03-18. Review status: criteria provided, single submitter. Criteria: Ambry Variant Classification Scheme 2023. Collection method: clinical testing. Allele origin: germline.

Labcorp Genetics (formerly Invitae), Labcorp
Classification: Uncertain significance. Last evaluated: 2022-05-03. Review status: criteria provided, single submitter. Criteria: Invitae Variant Classification Sherloc (09022015). Collection method: clinical testing. Allele origin: germline.
Comment: This sequence change replaces arginine, which is basic and polar, with tryptophan, which is neutral and slightly polar, at codon 269 of the BSND protein (p.Arg269Trp). This variant is present in population databases (rs368725660, gnomAD 0.01%). This variant has not been reported in the literature in individuals affected with BSND-related conditions. Algorithms developed to predict the effect of missense changes on protein structure and function output the following: SIFT: "Tolerated"; PolyPhen-2: "Benign"; Align-GVGD: "Class C0". The tryptophan amino acid residue is found in multiple mammalian species, which suggests that this missense change does not adversely affect protein function. In summary, the available evidence is currently insufficient to determine the role of this variant in disease. Therefore, it has been classified as a Variant of Uncertain Significance.